The following is an entry in ClinVar:

NM_001378454.1(ALMS1):c.12157G>A (p.Gly4053Arg)

Genes: ALMS1 (ALMS1 centrosome and basal body associated protein; plus strand), LOC126806252 (BRD4-independent group 4 enhancer GRCh37_chr2:73828496-73829695; plus strand). Cytogenetic location: 2p13.1.
Variant type: single nucleotide variant.
Coding change: c.12157G>A on transcript NM_001378454.1 (MANE Select); coding-DNA position 12157, G replaced by A.
Protein change: p.Gly4053Arg; replaces glycine 4053 with arginine.
Molecular consequence: missense variant.
Genome position (GRCh38, 1-based): chr2:73,602,227, G>A. VCF-style: chr2-73602227-G-A. GRCh37 (hg19) VCF-style: chr2-73829354-G-A.
Other names: c.12160G>A, p.Gly4054Arg (NM_015120.4); short protein forms G4054R, G4053R.
Identifiers: ClinVar variation 1462612 (VCV001462612.6), dbSNP rs2104199532, ClinGen allele CA347267851.

ClinVar aggregate classification (germline): Uncertain significance (1 of 4 stars; one submission).

Conditions:
Alstrom syndrome (ALMS). Identifiers: Orphanet 64, MedGen C0268425, MONDO:0008763, OMIM 203800.

Submission:

Labcorp Genetics (formerly Invitae), Labcorp
Classification: Uncertain significance for Alstrom syndrome. Last evaluated: 2022-07-06. Review status: criteria provided, single submitter. Criteria: Invitae Variant Classification Sherloc (09022015). Collection method: clinical testing. Allele origin: germline.
Comment: This sequence change replaces glycine, which is neutral and non-polar, with arginine, which is basic and polar, at codon 4054 of the ALMS1 protein (p.Gly4054Arg). In summary, the available evidence is currently insufficient to determine the role of this variant in disease. Therefore, it has been classified as a Variant of Uncertain Significance. Algorithms developed to predict the effect of sequence changes on RNA splicing suggest that this variant may create or strengthen a splice site. Experimental studies and prediction algorithms are not available or were not evaluated, and the functional significance of this variant is currently unknown. ClinVar contains an entry for this variant (Variation ID: 1462612). This variant has not been reported in the literature in individuals affected with ALMS1-related conditions. This variant is not present in population databases (gnomAD no frequency).